The following is an entry in ClinVar:

NM_133433.4(NIPBL):c.3109A>G (p.Lys1037Glu)

Gene: NIPBL (NIPBL cohesin loading factor; plus strand). Cytogenetic location: 5p13.2.
Variant type: single nucleotide variant.
Coding change: c.3109A>G on transcript NM_133433.4 (MANE Select); coding-DNA position 3109, A replaced by G.
Protein change: p.Lys1037Glu; replaces lysine 1037 with glutamic acid.
Molecular consequence: missense variant.
Genome position (GRCh38, 1-based): chr5:36,986,289, A>G. VCF-style: chr5-36986289-A-G. GRCh37 (hg19) VCF-style: chr5-36986391-A-G.
Other names: c.3109A>G, p.Lys1037Glu (NM_015384.5); short protein forms K1037E.
Identifiers: ClinVar variation 159072 (VCV000159072.19), dbSNP rs587783916, ClinGen allele CA272043.

ClinVar aggregate classification (germline): Uncertain significance. Review status: criteria provided, multiple submitters, no conflicts (2 of 4 stars). 6 submissions from 6 submitters: Uncertain significance (6). Last evaluated 2025-10-01.

Conditions:
Inborn genetic diseases. Identifiers: MedGen C0950123, MeSH D030342.
Cornelia de Lange syndrome 1 (CDLS1). Also called: Brachmann de Lange syndrome; NIPBL-Related Cornelia de Lange Syndrome; TYPUS DEGENERATIVUS AMSTELODAMENSIS. Identifiers: Orphanet 199, MedGen C4551851, MONDO:0007387, OMIM 122470.

Allele frequency attached by ClinVar (database versions not stated): gnomAD exomes below 0.00001 and 0.00001; TOPMed 0.00001.
gnomAD v4.1: 6 of 1,508,692 alleles (0.0004%); highest among the groups gnomAD compares: South Asian, 0.0055%; no homozygotes.

Submissions (6):

Labcorp Genetics (formerly Invitae), Labcorp
Classification: Uncertain significance for Cornelia de Lange syndrome 1. Last evaluated: 2025-10-01. Review status: criteria provided, single submitter. Criteria: Invitae Variant Classification Sherloc (09022015). Collection method: clinical testing. Allele origin: germline.
Comment: This sequence change replaces lysine, which is basic and polar, with glutamic acid, which is acidic and polar, at codon 1037 of the NIPBL protein (p.Lys1037Glu). The frequency data for this variant in the population databases is considered unreliable, as metrics indicate poor data quality at this position in the gnomAD database. This variant has not been reported in the literature in individuals affected with NIPBL-related conditions. ClinVar contains an entry for this variant (Variation ID: 159072). Invitae Evidence Modeling of protein sequence and biophysical properties (such as structural, functional, and spatial information, amino acid conservation, physicochemical variation, residue mobility, and thermodynamic stability) has been performed for this missense variant. However, the output from this modeling did not meet the statistical confidence thresholds required to predict the impact of this variant on NIPBL protein function. In summary, the available evidence is currently insufficient to determine the role of this variant in disease. Therefore, it has been classified as a Variant of Uncertain Significance.

Ambry Genetics
Classification: Uncertain significance for Inborn genetic diseases. Last evaluated: 2025-08-11. Review status: criteria provided, single submitter. Criteria: Ambry Variant Classification Scheme 2023. Collection method: clinical testing. Allele origin: germline.

Fulgent Genetics
Classification: Uncertain significance for Cornelia de Lange syndrome 1. Last evaluated: 2024-03-11. Review status: criteria provided, single submitter. Criteria: ACMG Guidelines, 2015. Collection method: clinical testing. Allele origin: germline.

Genome-Nilou Lab
Classification: Uncertain significance for Cornelia de Lange syndrome 1. Last evaluated: 2021-07-15. Review status: criteria provided, single submitter. Criteria: ACMG Guidelines, 2015. Collection method: clinical testing. Allele origin: germline. Affected: no.

GeneDx
Classification: Uncertain significance. Last evaluated: 2016-03-21. Review status: criteria provided, single submitter. Criteria: GeneDx Variant Classification (06012015). Collection method: clinical testing. Allele origin: germline. Affected: yes.
Comment: A variant of unknown significance has been identified in the NIPBL gene. The K1037E variant has not been published as a pathogenic variant, nor has it been reported as a benign polymorphism to our knowledge. It was not observed in approximately 6,500 individuals of European and African American ancestry in the NHLBI Exome Sequencing Project, indicating it is not a common benign variant in these populations. The K1037E variant is a non-conservative amino acid substitution, which is likely to impact secondary protein structure as these residues differ in polarity, charge, size and/or other properties. This substitution occurs at a position that is highly conserved across species. In silico analysis predicts this variant is probably damaging to the protein structure/function. However, missense mutations in nearby residues have not been reported in the Human Gene Mutation Database in association with NIPBL-related disorders (Stenson et al., 2009). Therefore, based on the currently available information, it is unclear whether this variant is a pathogenic variant or a rare benign variant.

Genetic Services Laboratory, University of Chicago
Classification: Uncertain significance for Cornelia de Lange syndrome 1. Last evaluated: 2013-02-08. Review status: criteria provided, single submitter. Criteria: ACMG Guidelines, 2007. Collection method: clinical testing. Allele origin: germline. Inheritance: Autosomal dominant inheritance.